The following is an entry in ClinVar:

ClinVar aggregate classification (germline): Pathogenic/Likely pathogenic. Review status: criteria provided, multiple submitters, no conflicts (2 of 4 stars). 4 submissions from 4 submitters: Pathogenic (3); Likely pathogenic (1). Last evaluated 2024-03-12.

Conditions:
Osteogenesis imperfecta, perinatal lethal (OI2). Also called: Osteogenesis imperfecta type 2; OSTEOGENESIS IMPERFECTA, TYPE II; Osteogenesis imperfecta, dominant perinatal lethal; OI, TYPE II; OSTEOGENESIS IMPERFECTA CONGENITA; VROLIK TYPE OF OSTEOGENESIS IMPERFECTA. Identifiers: Orphanet 216804, MedGen C0268358, MONDO:0008147, OMIM 166210.
COL1A2-related disorder. Also called: COL1A2-related condition; COL1A2-Related Disorders.
Ehlers-Danlos syndrome, classic type, 1 (EDSCL1). Also called: Ehlers-Danlos Syndrome, Classic Type, COL5A1-Related; EHLERS-DANLOS SYNDROME, GRAVIS TYPE; EHLERS-DANLOS SYNDROME, SEVERE CLASSIC TYPE; EDS I; Ehlers-Danlos syndrome, type 1. Identifiers: MedGen C0268335, MONDO:0019567, OMIM 130000.
Osteogenesis imperfecta type I (OI1). Also called: Lobstein's Disease; Osteogenesis imperfecta type 1; OI, TYPE I; OSTEOGENESIS IMPERFECTA TARDA; OSTEOGENESIS IMPERFECTA WITH BLUE SCLERAE; Classic Non-deforming Osteogenesis Imperfecta with Blue Sclerae. Identifiers: Orphanet 216796, Orphanet 666, MedGen C0023931, MONDO:0008146, OMIM 166200. Disease mechanism: loss of function.

Submissions (4):

Labcorp Genetics (formerly Invitae), Labcorp
Classification: Pathogenic for Osteogenesis imperfecta type I; Ehlers-Danlos syndrome, classic type, 1. Last evaluated: 2024-03-12. Review status: criteria provided, single submitter. Criteria: Invitae Variant Classification Sherloc (09022015). Collection method: clinical testing. Allele origin: germline.
Comment: This sequence change replaces glycine, which is neutral and non-polar, with serine, which is neutral and polar, at codon 1102 of the COL1A2 protein (p.Gly1102Ser). This variant is not present in population databases (gnomAD no frequency). This missense change has been observed in individual(s) with osteogenesis imperfecta (PMID: 15241976). ClinVar contains an entry for this variant (Variation ID: 585502). Advanced modeling of protein sequence and biophysical properties (such as structural, functional, and spatial information, amino acid conservation, physicochemical variation, residue mobility, and thermodynamic stability) performed at Invitae indicates that this missense variant is expected to disrupt COL1A2 protein function with a positive predictive value of 95%. This variant disrupts the triple helix domain of COL1A2. Glycine residues within the Gly-Xaa-Yaa repeats of the triple helix domain are required for the structure and stability of fibrillar collagens (PMID: 7695699, 8218237, 19344236). In COL1A2, variants affecting these glycine residues are significantly enriched in individuals with disease (PMID: 9016532, 17078022) compared to the general population (ExAC). For these reasons, this variant has been classified as Pathogenic.

Blueprint Genetics
Classification: Likely pathogenic for COL1A2-related disorders. Last evaluated: 2022-06-09. Review status: criteria provided, single submitter. Criteria: ACMG Guidelines, 2015. Collection method: clinical testing. Allele origin: germline. Affected: yes. Observed: 2 variant alleles.

Athena Diagnostics
Classification: Pathogenic. Last evaluated: 2018-04-10. Review status: criteria provided, single submitter. Criteria: Athena Diagnostics Criteria. Collection method: clinical testing. Allele origin: germline.

Neuberg Centre For Genomic Medicine, NCGM
Classification: Pathogenic for Osteogenesis imperfecta, perinatal lethal. Review status: criteria provided, single submitter. Criteria: ACMG Guidelines, 2015. Collection method: clinical testing. Allele origin: germline. Inheritance: Autosomal dominant inheritance. Affected: yes.
Comment: The missense variant p.G1102S in COL1A2 (NM_000089.4) causes the same amino acid change as a previously established pathogenic variant (Hartikka H et al, 2004). The p.G1102S variant is novel (not in any individuals) in gnomAD Exomes and is novel (not in any individuals) in 1000 Genomes. There is a small physicochemical difference between glycine and serine, which is not likely to impact secondary protein structure as these residues share similar properties. 4 variants within 6 amino acid positions of the variant p.G1102S have been shown to be pathogenic, while none have been shown to be benign. The p.G1102S missense variant is predicted to be damaging by both SIFT and PolyPhen2. The glycine residue at codon 1102 of COL1A2 is conserved in all mammalian species. The nucleotide c.3304 in COL1A2 is predicted conserved by GERP++ and PhyloP across 100 vertebrates. For these reasons, this variant has been classified as Pathogenic.

Literature cited by the submitters: PubMed 15241976 (cited by Labcorp Genetics (formerly Invitae), Labcorp); PubMed 7695699 (cited by Labcorp Genetics (formerly Invitae), Labcorp); PubMed 8218237 (cited by Labcorp Genetics (formerly Invitae), Labcorp); PubMed 19344236 (cited by Labcorp Genetics (formerly Invitae), Labcorp); PubMed 9016532 (cited by Labcorp Genetics (formerly Invitae), Labcorp); PubMed 17078022 (cited by Labcorp Genetics (formerly Invitae), Labcorp); PubMed 15241796 (cited by Athena Diagnostics).

NM_000089.4(COL1A2):c.3304G>A (p.Gly1102Ser)

Gene: COL1A2 (collagen type I alpha 2 chain; plus strand). Cytogenetic location: 7q21.3.
Variant type: single nucleotide variant.
Coding change: c.3304G>A on transcript NM_000089.4 (MANE Select); coding-DNA position 3304, G replaced by A.
Protein change: p.Gly1102Ser; replaces glycine 1102 with serine.
Molecular consequence: missense variant.
Genome position (GRCh38, 1-based): chr7:94,427,663, G>A. VCF-style: chr7-94427663-G-A. GRCh37 (hg19) VCF-style: chr7-94056975-G-A.
Other names: short protein forms G1102S.
Identifiers: ClinVar variation 585502 (VCV000585502.5), dbSNP rs67768540, ClinGen allele CA162941098.